The following is an entry in ClinVar:

ClinVar aggregate classification (germline): Uncertain significance (1 of 4 stars; one submission).

Submission:

GeneDx
Classification: Uncertain significance. Last evaluated: 2025-04-28. Review status: criteria provided, single submitter. Criteria: GeneDx Variant Classification Process June 2021. Collection method: clinical testing. Allele origin: germline. Affected: yes.
Comment: Not observed at significant frequency in large population cohorts (gnomAD); In silico analysis indicates that this missense variant does not alter protein structure/function; Has not been previously published as pathogenic or benign to our knowledge

NM_182931.3(KMT2E):c.4858C>G (p.Gln1620Glu)

Gene: KMT2E (lysine methyltransferase 2E (inactive); plus strand). Cytogenetic location: 7q22.3.
Variant type: single nucleotide variant.
Coding change: c.4858C>G on transcript NM_182931.3 (MANE Select); coding-DNA position 4858, C replaced by G.
Protein change: p.Gln1620Glu; replaces glutamine 1620 with glutamic acid.
Molecular consequence: missense variant.
Genome position (GRCh38, 1-based): chr7:105,112,614, C>G. VCF-style: chr7-105112614-C-G. GRCh37 (hg19) VCF-style: chr7-104753061-C-G.
Other names: c.4732C>G, p.Gln1578Glu (NM_001410908.1); c.4858C>G, p.Gln1620Glu (NM_018682.4); short protein forms Q1578E, Q1620E.
Identifiers: ClinVar variation 4527460 (VCV004527460.1).